The following is an entry in ClinVar:

ClinVar aggregate classification (germline): Uncertain significance (1 of 4 stars; one submission).

Allele frequency attached by ClinVar (database versions not stated): gnomAD exomes below 0.00001.
gnomAD v4.1: 1 of 1,561,502 alleles (0.000064%); highest among the groups gnomAD compares: Non-Finnish European, 0.000086%; no homozygotes.

Submission:

Labcorp Genetics (formerly Invitae), Labcorp
Classification: Uncertain significance. Last evaluated: 2025-09-02. Review status: criteria provided, single submitter. Criteria: Invitae Variant Classification Sherloc (09022015). Collection method: clinical testing. Allele origin: germline.
Comment: This sequence change replaces lysine, which is basic and polar, with isoleucine, which is neutral and non-polar, at codon 92 of the DMXL2 protein (p.Lys92Ile). The frequency data for this variant in the population databases is considered unreliable, as metrics indicate poor data quality at this position in the gnomAD database. This variant has not been reported in the literature in individuals affected with DMXL2-related conditions. ClinVar contains an entry for this variant (Variation ID: 1466215). An algorithm developed to predict the effect of missense changes on protein structure and function (PolyPhen-2) suggests that this variant is likely to be disruptive. In summary, the available evidence is currently insufficient to determine the role of this variant in disease. Therefore, it has been classified as a Variant of Uncertain Significance.

NM_001378457.1(DMXL2):c.275A>T (p.Lys92Ile)

Gene: DMXL2 (Dmx like 2; minus strand). Cytogenetic location: 15q21.2.
Variant type: single nucleotide variant.
Coding change: c.275A>T on transcript NM_001378457.1 (MANE Select); coding-DNA position 275, A replaced by T.
Protein change: p.Lys92Ile; replaces lysine 92 with isoleucine.
Molecular consequence: missense variant. On other transcripts: non-coding transcript variant (2).
Genome position (GRCh38, 1-based): chr15:51,568,497, T>A on the plus strand (A>T on the coding strand, the complement: DMXL2 is on the minus strand). VCF-style: chr15-51568497-T-A. GRCh37 (hg19) VCF-style: chr15-51860694-T-A.
Other names: c.275A>T, p.Lys92Ile (NM_001174116.3, NM_001174117.3, NM_001378458.1 and 7 more transcripts); short protein forms K92I.
Identifiers: ClinVar variation 1466215 (VCV001466215.8), dbSNP rs1398164275, ClinGen allele CA392758179.
Genomic context (GRCh38, chr15:51,568,497, plus strand): 5'-TCTAAAGTTAACTAGATTCTAAAAGTATTCTATTATTGGTTAATACTTACACAATTTCTT[T>A]TATGAGAATTTATGCCCAAGGGCTCAAATATACAAACAGCATTACCATATGAAGCTGCAA-3'
Protein context (NP_001365386.1, residues 82-102): IFEPLGINSH[Lys92Ile]RNCQLKCQWL